The following is an entry in ClinVar:

NM_000038.6(APC):c.5236_5541del (p.Ile1746_Thr1847del)

Gene: APC (APC regulator of Wnt signaling pathway; plus strand). Cytogenetic location: 5q22.2.
Variant type: Deletion.
Coding change: c.5236_5541del on transcript NM_000038.6 (MANE Select); coding-DNA positions 5236 to 5541, 306 bases deleted.
Protein change: p.Ile1746_Thr1847del.
Molecular consequence: inframe deletion.
Genome position (GRCh38, 1-based): chr5:112,840,830-112,841,135, 306 bases deleted. GRCh37 (hg19): chr5:112,176,527-112,176,832.
Other names: c.5236_5541del, p.Ile1746_Thr1847del (NM_001127510.3, NM_001354895.2); c.5182_5487del, p.Ile1728_Thr1829del (NM_001127511.3); c.5290_5595del, p.Ile1764_Thr1865del (NM_001354896.2); c.5266_5571del, p.Ile1756_Thr1857del (NM_001354897.2); c.5161_5466del, p.Ile1721_Thr1822del (NM_001354898.2); c.5152_5457del, p.Ile1718_Thr1819del (NM_001354899.2); c.5113_5418del, p.Ile1705_Thr1806del (NM_001354900.2); c.5059_5364del, p.Ile1687_Thr1788del (NM_001354901.2); and 5 more.
Identifiers: ClinVar variation 948306 (VCV000948306.11), dbSNP rs1765890048, ClinGen allele CA1139659018.

ClinVar aggregate classification (germline): Uncertain significance (1 of 4 stars; one submission).

Conditions:
Familial adenomatous polyposis 1 (FAP1). Also called: FAMILIAL ADENOMATOUS POLYPOSIS 1, ATTENUATED; POLYPOSIS, ADENOMATOUS INTESTINAL. Identifiers: MedGen C2713442, MONDO:0021056, OMIM 175100. Disease mechanism: loss of function.

Submission:

Labcorp Genetics (formerly Invitae), Labcorp
Classification: Uncertain significance for Familial adenomatous polyposis 1. Last evaluated: 2022-09-19. Review status: criteria provided, single submitter. Criteria: Invitae Variant Classification Sherloc (09022015). Collection method: clinical testing. Allele origin: germline.
Comment: In summary, the available evidence is currently insufficient to determine the role of this variant in disease. Therefore, it has been classified as a Variant of Uncertain Significance. Algorithms developed to predict the effect of sequence changes on RNA splicing suggest that this variant may create or strengthen a splice site. ClinVar contains an entry for this variant (Variation ID: 948306). This variant has not been reported in the literature in individuals affected with APC-related conditions. This variant is not present in population databases (gnomAD no frequency). This variant, c.5236_5541del, results in the deletion of 102 amino acid(s) of the APC protein (p.Ile1746_Thr1847del), but otherwise preserves the integrity of the reading frame.